The following is an entry in ClinVar:

ClinVar aggregate classification (germline): Uncertain significance (1 of 4 stars; one submission).

gnomAD v4.1: 1 of 1,606,782 alleles (0.000062%); highest among the groups gnomAD compares: Non-Finnish European, 0.000085%; no homozygotes.

Submission:

CeGaT Center for Human Genetics Tuebingen
Classification: Uncertain significance. Last evaluated: 2025-10-01. Review status: criteria provided, single submitter. Criteria: CeGaT Center For Human Genetics Tuebingen Variant Classification Criteria Version 2. Collection method: clinical testing. Allele origin: germline. Affected: yes. Observed: 1 variant allele.
Comment: KMT2B: PM2

NM_014727.3(KMT2B):c.6275G>T (p.Arg2092Leu)

Gene: KMT2B (lysine methyltransferase 2B; plus strand). Cytogenetic location: 19q13.12.
Variant type: single nucleotide variant.
Coding change: c.6275G>T on transcript NM_014727.3 (MANE Select); coding-DNA position 6275, G replaced by T.
Protein change: p.Arg2092Leu; replaces arginine 2092 with leucine.
Molecular consequence: missense variant.
Genome position (GRCh38, 1-based): chr19:35,732,824, G>T. VCF-style: chr19-35732824-G-T. GRCh37 (hg19) VCF-style: chr19-36223725-G-T.
Other names: short protein forms R2092L.
Identifiers: ClinVar variation 4534051 (VCV004534051.6).